The following is an entry in ClinVar:

ClinVar aggregate classification (germline): Uncertain significance. Review status: criteria provided, multiple submitters, no conflicts (2 of 4 stars). 2 submissions from 2 submitters: Uncertain significance (2). Last evaluated 2025-01-16.

Conditions:
Inborn genetic diseases. Identifiers: MedGen C0950123, MeSH D030342.

gnomAD v4.1: 77 of 1,613,932 alleles (0.0048%); highest among the groups gnomAD compares: African/African-American, 0.059%; no homozygotes.

Submissions (2):

Ambry Genetics
Classification: Uncertain significance for Inborn genetic diseases. Last evaluated: 2025-01-16. Review status: criteria provided, single submitter. Criteria: Ambry Variant Classification Scheme 2023. Collection method: clinical testing. Allele origin: germline.

Labcorp Genetics (formerly Invitae), Labcorp
Classification: Uncertain significance. Last evaluated: 2024-07-21. Review status: criteria provided, single submitter. Criteria: Invitae Variant Classification Sherloc (09022015). Collection method: clinical testing. Allele origin: germline.
Comment: This sequence change replaces glycine, which is neutral and non-polar, with arginine, which is basic and polar, at codon 449 of the ITGA8 protein (p.Gly449Arg). This variant is present in population databases (rs145062914, gnomAD 0.07%). This variant has not been reported in the literature in individuals affected with ITGA8-related conditions. Advanced modeling of protein sequence and biophysical properties (such as structural, functional, and spatial information, amino acid conservation, physicochemical variation, residue mobility, and thermodynamic stability) performed at Invitae indicates that this missense variant is not expected to disrupt ITGA8 protein function with a negative predictive value of 80%. In summary, the available evidence is currently insufficient to determine the role of this variant in disease. Therefore, it has been classified as a Variant of Uncertain Significance.

NM_003638.3(ITGA8):c.1345G>A (p.Gly449Arg)

Gene: ITGA8 (integrin subunit alpha 8; minus strand). Cytogenetic location: 10p13.
Variant type: single nucleotide variant.
Coding change: c.1345G>A on transcript NM_003638.3 (MANE Select); coding-DNA position 1345, G replaced by A.
Protein change: p.Gly449Arg; replaces glycine 449 with arginine.
Molecular consequence: missense variant.
Genome position (GRCh38, 1-based): chr10:15,644,084, C>T on the plus strand (G>A on the coding strand, the complement: ITGA8 is on the minus strand). VCF-style: chr10-15644084-C-T. GRCh37 (hg19) VCF-style: chr10-15686083-C-T.
Other names: c.1300G>A, p.Gly434Arg (NM_001291494.2); c.1345G>A (NM_003638.1); short protein forms G434R, G449R.
Identifiers: ClinVar variation 3659922 (VCV003659922.2).